The following is an entry in ClinVar:

NM_138775.3(ALKBH8):c.1471C>T (p.Arg491Ter)

Gene: ALKBH8 (alkB homolog 8, tRNA methyltransferase; minus strand). Cytogenetic location: 11q22.3.
Variant type: single nucleotide variant.
Coding change: c.1471C>T on transcript NM_138775.3 (MANE Select); coding-DNA position 1471, C replaced by T.
Protein change: p.Arg491Ter; replaces arginine 491 with a stop codon.
Molecular consequence: nonsense. On other transcripts: non-coding transcript variant (6).
Genome position (GRCh38, 1-based): chr11:107,505,182, G>A on the plus strand (C>T on the coding strand, the complement: ALKBH8 is on the minus strand). VCF-style: chr11-107505182-G-A. GRCh37 (hg19) VCF-style: chr11-107375908-G-A.
Other names: c.1471C>T, p.Arg491Ter (NM_001301010.3); c.1321C>T, p.Arg441Ter (NM_001378133.1); c.1471C>T (NM_138775.2); short protein forms R441*, R491*.
Identifiers: ClinVar variation 4885916 (VCV004885916.3).

ClinVar aggregate classification (germline): Conflicting classifications of pathogenicity. Review status: criteria provided, conflicting classifications (1 of 4 stars). 2 submissions from 2 submitters: Likely pathogenic (1); Uncertain significance (1). Last evaluated 2026-04-02.

gnomAD v4.1: 1 of 1,546,912 alleles (0.000065%); highest among the groups gnomAD compares: Non-Finnish European, 0.000087%; no homozygotes.

Submissions (2):

Dasa
Classification: Likely pathogenic. Last evaluated: 2026-04-02. Review status: criteria provided, single submitter. Criteria: DASA Assertion Criteria. Collection method: clinical testing. Allele origin: germline.
Comment: NM_138775.3(ALKBH8):c.1471C>T (p.Arg491*) is a nonsense variant in ALKBH8 predicted to introduce a premature termination codon and is predicted to result in an absent or altered protein product. Loss of function is an established disease mechanism for ALKBH8-associated disorders. This variant has been observed in affected individuals with ALKBH8-related disorders. Also, this variant is rare in population databases. Based on the currently available evidence, this variant is classified as likely pathogenic.

GeneDx
Classification: Uncertain significance. Last evaluated: 2026-03-25. Review status: criteria provided, single submitter. Criteria: GeneDx Variant Classification Process June 2021. Collection method: clinical testing. Allele origin: germline.
Comment: Not observed at significant frequency in large population cohorts (gnomAD); Nonsense variant predicted to result in protein truncation as the last 174 amino acid(s) are lost; Has not been previously published as pathogenic or benign to our knowledge